The following is an entry in ClinVar:

NM_004360.5(CDH1):c.2338C>T (p.Pro780Ser)

Gene: CDH1 (cadherin 1; plus strand). Cytogenetic location: 16q22.1.
Variant type: single nucleotide variant.
Coding change: c.2338C>T on transcript NM_004360.5 (MANE Select); coding-DNA position 2338, C replaced by T.
Protein change: p.Pro780Ser; replaces proline 780 with serine.
Molecular consequence: missense variant.
Genome position (GRCh38, 1-based): chr16:68,829,696, C>T. VCF-style: chr16-68829696-C-T. GRCh37 (hg19) VCF-style: chr16-68863599-C-T.
Other names: c.2155C>T, p.Pro719Ser (NM_001317184.2); c.790C>T, p.Pro264Ser (NM_001317185.2); c.373C>T, p.Pro125Ser (NM_001317186.2); short protein forms P125S, P264S, P719S, P780S.
Identifiers: ClinVar variation 3224173 (VCV003224173.1), dbSNP rs2152142289, ClinGen allele CA396470943.

ClinVar aggregate classification (germline): Uncertain significance (1 of 4 stars; one submission).

Conditions:
Hereditary cancer-predisposing syndrome. Also called: Tumor predisposition; Hereditary neoplastic syndrome; Hereditary Cancer Syndrome; Neoplastic Syndromes, Hereditary. Identifiers: Orphanet 140162, MedGen C0027672, MeSH D009386, MONDO:0015356.

Submission:

Ambry Genetics
Classification: Uncertain significance for Hereditary cancer-predisposing syndrome. Last evaluated: 2023-09-16. Review status: criteria provided, single submitter. Criteria: Ambry Variant Classification Scheme 2023. Collection method: clinical testing. Allele origin: germline.
Comment: The p.P780S variant (also known as c.2338C>T), located in coding exon 15 of the CDH1 gene, results from a C to T substitution at nucleotide position 2338. The proline at codon 780 is replaced by serine, an amino acid with similar properties. This amino acid position is conserved. In addition, the in silico prediction for this alteration is inconclusive. Since supporting evidence is limited at this time, the clinical significance of this alteration remains unclear.